The following is an entry in ClinVar:

NM_005033.3(EXOSC9):c.681A>C (p.Lys227Asn)

Gene: EXOSC9 (exosome component 9; plus strand). Cytogenetic location: 4q27.
Variant type: single nucleotide variant.
Coding change: c.681A>C on transcript NM_005033.3 (MANE Select); coding-DNA position 681, A replaced by C.
Protein change: p.Lys227Asn; replaces lysine 227 with asparagine.
Molecular consequence: missense variant.
Genome position (GRCh38, 1-based): chr4:121,810,042, A>C. VCF-style: chr4-121810042-A-C. GRCh37 (hg19) VCF-style: chr4-122731197-A-C.
Other names: c.681A>C, p.Lys227Asn (NM_001034194.2); short protein forms K227N.
Identifiers: ClinVar variation 2163443 (VCV002163443.1), dbSNP rs777595920, ClinGen allele CA3063491.

ClinVar aggregate classification (germline): Uncertain significance (1 of 4 stars; one submission).

Allele frequency attached by ClinVar (database versions not stated): ExAC 0.00001; TOPMed 0.00001.

Submission:

Labcorp Genetics (formerly Invitae), Labcorp
Classification: Uncertain significance. Last evaluated: 2022-05-02. Review status: criteria provided, single submitter. Criteria: Invitae Variant Classification Sherloc (09022015). Collection method: clinical testing. Allele origin: germline.
Comment: This sequence change replaces lysine, which is basic and polar, with asparagine, which is neutral and polar, at codon 227 of the EXOSC9 protein (p.Lys227Asn). This variant is present in population databases (rs777595920, gnomAD 0.0009%). This variant has not been reported in the literature in individuals affected with EXOSC9-related conditions. Algorithms developed to predict the effect of missense changes on protein structure and function are either unavailable or do not agree on the potential impact of this missense change (SIFT: "Deleterious"; PolyPhen-2: "Benign"; Align-GVGD: "Class C65"). In summary, the available evidence is currently insufficient to determine the role of this variant in disease. Therefore, it has been classified as a Variant of Uncertain Significance.